The following is an entry in ClinVar:

ClinVar aggregate classification (germline): Likely pathogenic (1 of 4 stars; one submission).

gnomAD v4.1: 2 of 1,613,910 alleles (0.00012%); no homozygotes.

Submission:

GeneDx
Classification: Likely pathogenic. Last evaluated: 2026-02-09. Review status: criteria provided, single submitter. Criteria: GeneDx Variant Classification Process June 2021. Collection method: clinical testing. Allele origin: germline.
Comment: Reported in patients with autism spectrum disorder; however, additional clinical information was not provided (PMID: 36368308, 35982159); Nonsense variant predicted to result in protein truncation or nonsense mediated decay in a gene for which loss of function is a known mechanism of disease; Not observed at significant frequency in large population cohorts (gnomAD); This variant is associated with the following publications: (PMID: 36368308, 35982159)

NM_001148.6(ANK2):c.6154C>T (p.Arg2052Ter)

Genes: ANK2 (ankyrin 2; plus strand), LOC126807136 (MED14-independent group 3 enhancer GRCh37_chr4:114274931-114276130; plus strand). Cytogenetic location: 4q26.
Variant type: single nucleotide variant.
Coding change: c.6154C>T on transcript NM_001148.6 (MANE Select); coding-DNA position 6154, C replaced by T.
Protein change: p.Arg2052Ter; replaces arginine 2052 with a stop codon.
Molecular consequence: nonsense. On other transcripts: intron variant (68).
Genome position (GRCh38, 1-based): chr4:113,354,772, C>T. VCF-style: chr4-113354772-C-T. GRCh37 (hg19) VCF-style: chr4-114275928-C-T.
Other names: c.1975+4523C>T (NM_001354280.2); c.1954+4523C>T (NM_001354278.2, NM_001354281.2); c.826+4523C>T (NM_001386167.1); c.5920C>T, p.Arg1974Ter (NM_001386142.1); c.2554C>T, p.Arg852Ter (NM_001386166.1); c.6295C>T, p.Arg2099Ter (NM_001386174.1); c.6271C>T, p.Arg2091Ter (NM_001386175.1); c.4411+4523C>T (NM_001386186.2, NM_001386148.2); and 35 more; short protein forms R1974*, R2052*, R2091*, R2099*, R852*.
Identifiers: ClinVar variation 3359793 (VCV003359793.2).